The following is an entry in ClinVar:

ClinVar aggregate classification (germline): Uncertain significance. Review status: criteria provided, multiple submitters, no conflicts (2 of 4 stars). 2 submissions from 2 submitters: Uncertain significance (2). Last evaluated 2025-01-01.

Conditions:
Hereditary cancer-predisposing syndrome. Also called: Hereditary neoplastic syndrome; Neoplastic Syndromes, Hereditary; Hereditary Cancer Syndrome; Tumor predisposition. Identifiers: Orphanet 140162, MedGen C0027672, MeSH D009386, MONDO:0015356.
Parathyroid carcinoma (PRTC). Also called: Parathyroid gland carcinoma; CDC73-Related Parathyroid Carcinoma. Identifiers: Orphanet 143, MedGen C0687150, MONDO:0012004, OMIM 608266, HP:0006780.

Allele frequency attached by ClinVar (database versions not stated): gnomAD exomes below 0.00001.
gnomAD v4.1: 1 of 1,613,294 alleles (0.000062%); highest among the groups gnomAD compares: Non-Finnish European, 0.000085%; no homozygotes.

Submissions (2):

Labcorp Genetics (formerly Invitae), Labcorp
Classification: Uncertain significance for Parathyroid carcinoma. Last evaluated: 2025-01-01. Review status: criteria provided, single submitter. Criteria: Invitae Variant Classification Sherloc (09022015). Collection method: clinical testing. Allele origin: germline.
Comment: This sequence change replaces serine, which is neutral and polar, with glycine, which is neutral and non-polar, at codon 107 of the CDC73 protein (p.Ser107Gly). The frequency data for this variant in the population databases is considered unreliable, as metrics indicate poor data quality at this position in the gnomAD database. This variant has not been reported in the literature in individuals affected with CDC73-related conditions. ClinVar contains an entry for this variant (Variation ID: 1485023). Invitae Evidence Modeling of protein sequence and biophysical properties (such as structural, functional, and spatial information, amino acid conservation, physicochemical variation, residue mobility, and thermodynamic stability) indicates that this missense variant is not expected to disrupt CDC73 protein function with a negative predictive value of 80%. In summary, the available evidence is currently insufficient to determine the role of this variant in disease. Therefore, it has been classified as a Variant of Uncertain Significance.

Ambry Genetics
Classification: Uncertain significance for Hereditary cancer-predisposing syndrome. Last evaluated: 2024-10-25. Review status: criteria provided, single submitter. Criteria: Ambry Variant Classification Scheme 2023. Collection method: clinical testing. Allele origin: germline.
Comment: The p.S107G variant (also known as c.319A>G), located in coding exon 4 of the CDC73 gene, results from an A to G substitution at nucleotide position 319. The serine at codon 107 is replaced by glycine, an amino acid with similar properties. This amino acid position is conserved. In addition, the in silico prediction for this alteration is inconclusive. Since supporting evidence is limited at this time, the clinical significance of this alteration remains unclear.

NM_024529.5(CDC73):c.319A>G (p.Ser107Gly)

Gene: CDC73 (cell division cycle 73; plus strand). Cytogenetic location: 1q31.2.
Variant type: single nucleotide variant.
Coding change: c.319A>G on transcript NM_024529.5 (MANE Select); coding-DNA position 319, A replaced by G.
Protein change: p.Ser107Gly; replaces serine 107 with glycine.
Molecular consequence: missense variant.
Genome position (GRCh38, 1-based): chr1:193,135,402, A>G. VCF-style: chr1-193135402-A-G. GRCh37 (hg19) VCF-style: chr1-193104532-A-G.
Other names: short protein forms S107G.
Identifiers: ClinVar variation 1485023 (VCV001485023.9), dbSNP rs1374821216, ClinGen allele CA343960314.
Genomic context (GRCh38, chr1:193,135,402, plus strand): 5'-TATATATGTTGAAATAGTAATCCTTACGTGAATCTTTTTATGTCTTCAGCAACATCGGCA[A>G]GTATAGACAGAAGCGCTCCCTTAGAAATAGGTCTTCAGCGATCTACTCAAGGTATGTCTT-3'
Protein context (NP_078805.3, residues 97-117): YLNGEASTSA[Ser107Gly]IDRSAPLEIG